The following is an entry in ClinVar:

ClinVar aggregate classification (germline): Uncertain significance (1 of 4 stars; one submission).

Conditions:
Myopathy, centronuclear, 2 (CNM2). Also called: MYOTUBULAR MYOPATHY, AUTOSOMAL RECESSIVE. Identifiers: Orphanet 169186, MedGen CN031787, MONDO:0009709, OMIM 255200.

Submission:

Labcorp Genetics (formerly Invitae), Labcorp
Classification: Uncertain significance for Myopathy, centronuclear, 2. Last evaluated: 2018-04-08. Review status: criteria provided, single submitter. Criteria: Invitae Variant Classification Sherloc (09022015). Collection method: clinical testing. Allele origin: germline.
Comment: This variant results in a copy number gain of the genomic region encompassing exons 1-12 of the BIN1 gene. The 5' end of this event is unknown as it extends beyond the assayed region for this gene and therefore may encompass additional genes. The 3' boundary is likely confined to intron 12 of the BIN1 gene. As the precise location of this event is unknown, it may be in tandem or it may be located elsewhere in the genome. This variant has not been reported in the literature in individuals with BIN1-related disease. In summary, the available evidence is currently insufficient to determine the role of this variant in disease. Therefore, it has been classified as a Variant of Uncertain Significance.

NC_000002.11:g.(?_127815029)_(127864539_?)dup

Genes: BIN1 (bridging integrator 1; minus strand), LOC129934711 (ATAC-STARR-seq lymphoblastoid active region 16482; plus strand), LOC129934712 (ATAC-STARR-seq lymphoblastoid active region 16483; plus strand), LOC129934713 (ATAC-STARR-seq lymphoblastoid active region 16484; plus strand), LOC129934714 (ATAC-STARR-seq lymphoblastoid active region 16485; plus strand) and 2 more. Cytogenetic location: 2q14.3.
Variant type: Duplication.
Identifiers: ClinVar variation 583565 (VCV000583565.4).